The following is an entry in ClinVar:

NM_014444.5(TUBGCP4):c.1732-17C>G

Genes: TP53BP1 (tumor protein p53 binding protein 1; minus strand), TUBGCP4 (tubulin gamma complex component 4; plus strand). Cytogenetic location: 15q15.3.
Variant type: single nucleotide variant.
Coding change: c.1732-17C>G on transcript NM_014444.5 (MANE Select); 17 bases into the intron before coding-DNA position 1732, C replaced by G.
Molecular consequence: intron variant. On other transcripts: 3 prime UTR variant (5).
Genome position (GRCh38, 1-based): chr15:43,403,666, C>G. VCF-style: chr15-43403666-C-G. GRCh37 (hg19) VCF-style: chr15-43695864-C-G.
Other names: c.*3717G>C (NM_001141979.3, NM_001141980.3, NM_001355001.2 and 2 more transcripts); c.1735-17C>G (NM_001286414.3).
Identifiers: ClinVar variation 1899962 (VCV001899962.5), dbSNP rs2543104020, ClinGen allele CA2580089441.

ClinVar aggregate classification (germline): Uncertain significance (1 of 4 stars; one submission).

Submission:

Labcorp Genetics (formerly Invitae), Labcorp
Classification: Uncertain significance. Last evaluated: 2025-07-28. Review status: criteria provided, single submitter. Criteria: Invitae Variant Classification Sherloc (09022015). Collection method: clinical testing. Allele origin: germline.
Comment: This sequence change falls in intron 15 of the TUBGCP4 gene. It does not directly change the encoded amino acid sequence of the TUBGCP4 protein. This variant is not present in population databases (gnomAD no frequency). This variant has not been reported in the literature in individuals affected with TUBGCP4-related conditions. ClinVar contains an entry for this variant (Variation ID: 1899962). Algorithms developed to predict the effect of sequence changes on RNA splicing suggest that this variant may disrupt the consensus splice site. In summary, the available evidence is currently insufficient to determine the role of this variant in disease. Therefore, it has been classified as a Variant of Uncertain Significance.